The following is an entry in ClinVar:

ClinVar aggregate classification (germline): Conflicting classifications of pathogenicity. Review status: criteria provided, conflicting classifications (1 of 4 stars). 11 submissions from 11 submitters: Uncertain significance (4); Benign (1); Likely benign (5). 1 of the submissions does not count toward it. Last evaluated 2026-03-01.

Conditions:
Classic or attenuated familial adenomatous polyposis. Identifiers: MedGen CN372698, MONDO:0021057.
Hepatocellular carcinoma (HCC). Also called: Primary carcinoma of liver; HEPATOMA; LIVER CELL CARCINOMA. Identifiers: Orphanet 88673, MedGen C2239176, MONDO:0007256, OMIM 114550, HP:0001402.
Hereditary cancer-predisposing syndrome. Also called: Hereditary neoplastic syndrome; Tumor predisposition; Hereditary Cancer Syndrome; Neoplastic Syndromes, Hereditary. Identifiers: Orphanet 140162, MedGen C0027672, MeSH D009386, MONDO:0015356.
Familial adenomatous polyposis 1 (FAP1). Also called: POLYPOSIS, ADENOMATOUS INTESTINAL; FAMILIAL ADENOMATOUS POLYPOSIS 1, ATTENUATED. Identifiers: MedGen C2713442, MONDO:0021056, OMIM 175100. Disease mechanism: loss of function.

Allele frequency attached by ClinVar (database versions not stated): gnomAD 0.00001; TOPMed 0.00001; gnomAD exomes 0.00003 and 0.00006; ExAC 0.00007; 1000 Genomes Project 30x 0.00016; 1000 Genomes Project 0.00020.
gnomAD v4.1: 46 of 1,614,216 alleles (0.0028%); highest among the groups gnomAD compares: South Asian, 0.049%; 3 homozygotes.

Submissions (11):

CeGaT Center for Human Genetics Tuebingen
Classification: Likely benign. Last evaluated: 2026-03-01. Review status: criteria provided, single submitter. Criteria: CeGaT Center For Human Genetics Tuebingen Variant Classification Criteria Version 2. Collection method: clinical testing. Allele origin: germline. Affected: yes. Observed: 1 variant allele.
Comment: APC: BP1, BS1

Labcorp Genetics (formerly Invitae), Labcorp
Classification: Likely benign for Familial adenomatous polyposis 1. Last evaluated: 2025-12-15. Review status: criteria provided, single submitter. Criteria: Invitae Variant Classification Sherloc (09022015). Collection method: clinical testing. Allele origin: germline.

Center for Genomic Medicine, Rigshospitalet, Copenhagen University Hospital
Classification: Uncertain significance. Last evaluated: 2025-03-04. Review status: criteria provided, single submitter. Criteria: ACMG Guidelines, 2015. Collection method: clinical testing. Allele origin: germline.

Myriad Genetics, Inc.
Classification: Likely benign for Familial adenomatous polyposis 1. Last evaluated: 2025-01-23. Review status: criteria provided, single submitter. Criteria: Myriad Autosomal Dominant, Autosomal Recessive and X-Linked Classification Criteria (2023). Collection method: clinical testing. Allele origin: unknown.
Comment: This variant is considered likely benign. This variant has been observed at a population frequency that is significantly greater than expected given the associated disease prevalence and penetrance.

All of Us Research Program, National Institutes of Health
Classification: Likely benign for Classic or attenuated familial adenomatous polyposis. Last evaluated: 2023-11-20. Review status: criteria provided, single submitter. Criteria: ACMG Guidelines, 2015. Collection method: clinical testing. Allele origin: germline. Inheritance: Autosomal dominant inheritance. Observed: 2 variant alleles, 2 heterozygotes.
Comment: This study involves interpretation of variants in research participants for the purpose of population health screening. Participant phenotype was not available at the time of variant classification. Additional details can be found in publication PMID: 35346344, PMCID: PMC8962531

Color Diagnostics, LLC DBA Color Health
Classification: Likely benign for Hereditary cancer-predisposing syndrome. Last evaluated: 2023-06-13. Review status: criteria provided, single submitter. Criteria: ACMG Guidelines, 2015. Collection method: clinical testing. Allele origin: germline.

Ambry Genetics
Classification: Benign for Hereditary cancer-predisposing syndrome. Last evaluated: 2023-05-25. Review status: criteria provided, single submitter. Criteria: Ambry Variant Classification Scheme 2023. Collection method: clinical testing. Allele origin: germline.

Foundation for Research in Genetics and Endocrinology, FRIGE's Institute of Human Genetics
Classification: Uncertain significance for Familial adenomatous polyposis 1. Last evaluated: 2023-04-07. Review status: criteria provided, single submitter. Criteria: ACMG Guidelines, 2015. Collection method: clinical testing. Allele origin: germline. Inheritance: Autosomal dominant inheritance. Affected: yes. Observed: 1 heterozygote.
Comment: A heterozygous missense substitution (p.Ser843Gly) lies in exon 16 of the APC gene and alters a highly conserved residue in the protein. In silico prediction of the variant are damaging by LRT, Mutation Taster and SIFT. In summary, the variant meets our criteria to be classified as a variant of uncertain significance.

Baylor Genetics
Classification: Uncertain significance for Familial adenomatous polyposis 1. Last evaluated: 2022-12-19. Review status: criteria provided, single submitter. Criteria: ACMG Guidelines, 2015. Collection method: clinical testing. Allele origin: unknown.

GeneDx
Classification: Uncertain significance. Last evaluated: 2020-03-02. Review status: criteria provided, single submitter. Criteria: GeneDx Variant Classification Process June 2021. Collection method: clinical testing. Allele origin: germline. Affected: yes.
Comment: In silico analysis supports that this missense variant does not alter protein structure/function; Has not been previously published as pathogenic or benign to our knowledge

3DMed Clinical Laboratory Inc
Classification: Uncertain significance for Hepatocellular carcinoma. Last evaluated: 2017-09-23. Review status: no assertion criteria provided. Criteria: ACMG Guidelines, 2015. Collection method: clinical testing. Allele origin: germline. Affected: yes. Not counted in ClinVar's aggregate classification.

NM_000038.6(APC):c.2527A>G (p.Ser843Gly)

Gene: APC (APC regulator of Wnt signaling pathway; plus strand). Cytogenetic location: 5q22.2.
Variant type: single nucleotide variant.
Coding change: c.2527A>G on transcript NM_000038.6 (MANE Select); coding-DNA position 2527, A replaced by G.
Protein change: p.Ser843Gly; replaces serine 843 with glycine.
Molecular consequence: missense variant.
Genome position (GRCh38, 1-based): chr5:112,838,121, A>G. VCF-style: chr5-112838121-A-G. GRCh37 (hg19) VCF-style: chr5-112173818-A-G.
Other names: p.Ser843Gly; c.2527A>G, p.Ser843Gly (NM_001127510.3, NM_001354895.2); c.2473A>G, p.Ser825Gly (NM_001127511.3); c.2581A>G, p.Ser861Gly (NM_001354896.2); c.2557A>G, p.Ser853Gly (NM_001354897.2); c.2452A>G, p.Ser818Gly (NM_001354898.2); c.2443A>G, p.Ser815Gly (NM_001354899.2); c.2404A>G, p.Ser802Gly (NM_001354900.2); and 6 more; short protein forms S825G, S843G, S717G, S784G, S853G, S861G, S815G, S742G.
Identifiers: ClinVar variation 428135 (VCV000428135.36), dbSNP rs536223189, ClinGen allele CA032383.
Genomic context (GRCh38, chr5:112,838,121, plus strand): 5'-TCACCATATTTGAATACTACAGTGTTACCCAGCTCCTCTTCATCAAGAGGAAGCTTAGAT[A>G]GTTCTCGTTCTGAAAAAGATAGAAGTTTGGAGAGAGAACGCGGAATTGGTCTAGGCAACT-3'
Protein context (NP_000029.2, residues 833-853): SSSSSRGSLD[Ser843Gly]SRSEKDRSLE